The following is an entry in ClinVar:

NM_001110556.2(FLNA):c.5281T>A (p.Tyr1761Asn)

Gene: FLNA (filamin A; minus strand). Cytogenetic location: Xq28.
Variant type: single nucleotide variant.
Coding change: c.5281T>A on transcript NM_001110556.2 (MANE Select); coding-DNA position 5281, T replaced by A.
Protein change: p.Tyr1761Asn; replaces tyrosine 1761 with asparagine.
Molecular consequence: missense variant.
Genome position (GRCh38, 1-based): chrX:154,354,648, A>T on the plus strand (T>A on the coding strand, the complement: FLNA is on the minus strand). VCF-style: chrX-154354648-A-T. GRCh37 (hg19) VCF-style: chrX-153583016-A-T.
Other names: c.5257T>A, p.Tyr1753Asn (NM_001456.4); short protein forms Y1753N, Y1761N.
Identifiers: ClinVar variation 1059111 (VCV001059111.9), dbSNP rs1293701269, ClinGen allele CA415206404.

ClinVar aggregate classification (germline): Uncertain significance (1 of 4 stars; one submission).

Conditions:
Heterotopia, periventricular, X-linked dominant (PVNH1). Also called: PERIVENTRICULAR NODULAR HETEROTOPIA 1; X-linked periventricular heterotopia; PERIVENTRICULAR NODULAR HETEROTOPIA 4; HETEROTOPIA, PERIVENTRICULAR, 1. Identifiers: Orphanet 2149, Orphanet 82004, MedGen C1848213, MONDO:0010233, OMIM 300049.
Melnick-Needles syndrome (MNS). Also called: MELNICK-NEEDLES OSTEODYSPLASTY; OSTEODYSPLASTY OF MELNICK AND NEEDLES; Melnick-Needles Syndrome (FLNA-MNS). Identifiers: Orphanet 2484, MedGen C0025237, MONDO:0010650, OMIM 309350.
Frontometaphyseal dysplasia (FMD1). Identifiers: Orphanet 1826, MedGen C0265293, MONDO:0015942.
Oto-palato-digital syndrome, type II (OPD2). Also called: OPD II SYNDROME; FACIOPALATOOSSEOUS SYNDROME; Otopalatodigital Syndrome Type 2 (FLNA-OPD2); Otopalatodigital Syndrome, Type II. Identifiers: Orphanet 669, Orphanet 90652, MedGen C1844696, MONDO:0010571, OMIM 304120.

Submission:

Labcorp Genetics (formerly Invitae), Labcorp
Classification: Uncertain significance for Oto-palato-digital syndrome, type II; Heterotopia, periventricular, X-linked dominant; Frontometaphyseal dysplasia; Melnick-Needles syndrome. Last evaluated: 2025-11-17. Review status: criteria provided, single submitter. Criteria: Invitae Variant Classification Sherloc (09022015). Collection method: clinical testing. Allele origin: germline.
Comment: This sequence change replaces tyrosine, which is neutral and polar, with asparagine, which is neutral and polar, at codon 1753 of the FLNA protein (p.Tyr1753Asn). This variant is not present in population databases (gnomAD no frequency). This variant has not been reported in the literature in individuals affected with FLNA-related conditions. ClinVar contains an entry for this variant (Variation ID: 1059111). Invitae Evidence Modeling of protein sequence and biophysical properties (such as structural, functional, and spatial information, amino acid conservation, physicochemical variation, residue mobility, and thermodynamic stability) indicates that this missense variant is not expected to disrupt FLNA protein function with a negative predictive value of 95%. In summary, the available evidence is currently insufficient to determine the role of this variant in disease. Therefore, it has been classified as a Variant of Uncertain Significance.